The following is an entry in ClinVar:

ClinVar aggregate classification (germline): Uncertain significance (1 of 4 stars; one submission).

gnomAD v4.1: 1 of 1,610,332 alleles (0.000062%); highest among the groups gnomAD compares: African/African-American, 0.0013%; no homozygotes.

Submission:

GeneDx
Classification: Uncertain significance. Last evaluated: 2026-02-14. Review status: criteria provided, single submitter. Criteria: GeneDx Variant Classification Process June 2021. Collection method: clinical testing. Allele origin: germline.
Comment: Not observed at significant frequency in large population cohorts (gnomAD); In silico analysis supports that this missense variant has a deleterious effect on protein structure/function; Has not been previously published as pathogenic or benign to our knowledge

NM_025074.7(FRAS1):c.9115G>A (p.Ala3039Thr)

Gene: FRAS1 (Fraser extracellular matrix complex subunit 1; plus strand). Cytogenetic location: 4q21.21.
Variant type: single nucleotide variant.
Coding change: c.9115G>A on transcript NM_025074.7 (MANE Select); coding-DNA position 9115, G replaced by A.
Protein change: p.Ala3039Thr; replaces alanine 3039 with threonine.
Molecular consequence: missense variant.
Genome position (GRCh38, 1-based): chr4:78,496,961, G>A. VCF-style: chr4-78496961-G-A. GRCh37 (hg19) VCF-style: chr4-79418115-G-A.
Other names: short protein forms A3039T.
Identifiers: ClinVar variation 5007931 (VCV005007931.1).